The following is an entry in ClinVar:

ClinVar aggregate classification (germline): Uncertain significance (1 of 4 stars; one submission).

Allele frequency attached by ClinVar (database versions not stated): gnomAD exomes below 0.00001; TOPMed below 0.00001; gnomAD 0.00001.
gnomAD v4.1: 5 of 1,551,680 alleles (0.00032%); highest among the groups gnomAD compares: African/African-American, 0.0014%; no homozygotes.

Submission:

GeneDx
Classification: Uncertain significance. Last evaluated: 2022-10-21. Review status: criteria provided, single submitter. Criteria: GeneDx Variant Classification Process June 2021. Collection method: clinical testing. Allele origin: germline. Affected: yes.
Comment: Not observed at significant frequency in large population cohorts (gnomAD); In silico analysis supports that this missense variant does not alter protein structure/function; Has not been previously published as pathogenic or benign to our knowledge

NM_020928.2(ZSWIM6):c.1723G>A (p.Ala575Thr)

Gene: ZSWIM6 (zinc finger SWIM-type containing 6; plus strand). Cytogenetic location: 5q12.1.
Variant type: single nucleotide variant.
Coding change: c.1723G>A on transcript NM_020928.2 (MANE Select); coding-DNA position 1723, G replaced by A.
Protein change: p.Ala575Thr; replaces alanine 575 with threonine.
Molecular consequence: missense variant.
Genome position (GRCh38, 1-based): chr5:61,526,282, G>A. VCF-style: chr5-61526282-G-A. GRCh37 (hg19) VCF-style: chr5-60822109-G-A.
Other names: short protein forms A575T.
Identifiers: ClinVar variation 2499758 (VCV002499758.1), dbSNP rs1389275964, ClinGen allele CA359943718.
Genomic context (GRCh38, chr5:61,526,282, plus strand): 5'-ACTTTACCCCCTTGACTTTCTGTTTTAGAACATGTTCCTACAGCCTGTGCAAGAGTGGAC[G>A]CATTACGTTCTCATGGGTACCCCAGAGAAGCACTGAGACTAGCAATAGCTATTGTTAATA-3'
Protein context (NP_065979.1, residues 565-585): HVPTACARVD[Ala575Thr]LRSHGYPREA